The following is an entry in ClinVar:

ClinVar aggregate classification (germline): Uncertain significance (1 of 4 stars; one submission).

Allele frequency attached by ClinVar (database versions not stated): gnomAD exomes below 0.00001.
gnomAD v4.1: 2 of 1,614,090 alleles (0.00012%); highest among the groups gnomAD compares: Admixed American, 0.0017%; no homozygotes.

Submission:

Labcorp Genetics (formerly Invitae), Labcorp
Classification: Uncertain significance. Last evaluated: 2022-08-22. Review status: criteria provided, single submitter. Criteria: Invitae Variant Classification Sherloc (09022015). Collection method: clinical testing. Allele origin: germline.
Comment: This sequence change replaces leucine, which is neutral and non-polar, with phenylalanine, which is neutral and non-polar, at codon 1772 of the CEP250 protein (p.Leu1772Phe). This variant is not present in population databases (gnomAD no frequency). This variant has not been reported in the literature in individuals affected with CEP250-related conditions. Algorithms developed to predict the effect of missense changes on protein structure and function are either unavailable or do not agree on the potential impact of this missense change (SIFT: "Not Available"; PolyPhen-2: "Probably Damaging"; Align-GVGD: "Not Available"). In summary, the available evidence is currently insufficient to determine the role of this variant in disease. Therefore, it has been classified as a Variant of Uncertain Significance.

NM_007186.6(CEP250):c.5314C>T (p.Leu1772Phe)

Gene: CEP250 (centrosomal protein 250; plus strand). Cytogenetic location: 20q11.22.
Variant type: single nucleotide variant.
Coding change: c.5314C>T on transcript NM_007186.6 (MANE Select); coding-DNA position 5314, C replaced by T.
Protein change: p.Leu1772Phe; replaces leucine 1772 with phenylalanine.
Molecular consequence: missense variant.
Genome position (GRCh38, 1-based): chr20:35,503,683, C>T. VCF-style: chr20-35503683-C-T. GRCh37 (hg19) VCF-style: chr20-34091511-C-T.
Other names: c.3418C>T, p.Leu1140Phe (NM_001318219.1); short protein forms L1140F, L1772F.
Identifiers: ClinVar variation 1943518 (VCV001943518.5), dbSNP rs2064090157, ClinGen allele CA408752514.